The following is an entry in ClinVar:

NM_000400.4(ERCC2):c.1774C>T (p.Arg592Cys)

Gene: ERCC2 (ERCC excision repair 2, TFIIH core complex helicase subunit; minus strand). Cytogenetic location: 19q13.32.
Variant type: single nucleotide variant.
Coding change: c.1774C>T on transcript NM_000400.4 (MANE Select); coding-DNA position 1774, C replaced by T.
Protein change: p.Arg592Cys; replaces arginine 592 with cysteine.
Molecular consequence: missense variant.
Genome position (GRCh38, 1-based): chr19:45,353,140, G>A on the plus strand (C>T on the coding strand, the complement: ERCC2 is on the minus strand). VCF-style: chr19-45353140-G-A. GRCh37 (hg19) VCF-style: chr19-45856398-G-A.
Other names: short protein forms R592C.
Identifiers: ClinVar variation 893464 (VCV000893464.7), dbSNP rs190678702, ClinGen allele CA9513085.
Genomic context (GRCh38, chr19:45,353,140, plus strand): 5'-CACCAAAGTCGATTCCCTCGGACACTTTGCCCCGGGCCACTGACAGCAGGATGGCCCCGC[G>A]GCCATTCTCGCAGGCCTGAGGTGGGGAGACCGAGACGCAAGTTAGGTCACTCCTCAGAGC-3'
Protein context (NP_000391.1, residues 582-602): EKYQEACENG[Arg592Cys]GAILLSVARG

ClinVar aggregate classification (germline): Uncertain significance. Review status: criteria provided, multiple submitters, no conflicts (2 of 4 stars). 3 submissions from 3 submitters: Uncertain significance (3). Last evaluated 2026-02-16.

Conditions:
Xeroderma pigmentosum, group D (XPD). Also called: XERODERMA PIGMENTOSUM, COMPLEMENTATION GROUP D; ERCC2-Related Xeroderma Pigmentosum; XERODERMA PIGMENTOSUM IV; XP, GROUP D; XP, GROUP H. Identifiers: MedGen C0268138, MONDO:0010212, OMIM 278730.

Allele frequency attached by ClinVar (database versions not stated): gnomAD 0.00003 and 0.00002; 1000 Genomes Project 30x 0.00031; 1000 Genomes Project 0.00040; TOPMed 0.00004; ExAC 0.00004.
gnomAD v4.1: 48 of 1,613,772 alleles (0.003%); highest among the groups gnomAD compares: Admixed American, 0.01%; no homozygotes.

Submissions (3):

Dasa
Classification: Uncertain significance. Last evaluated: 2026-02-16. Review status: criteria provided, single submitter. Criteria: DASA Assertion Criteria. Collection method: clinical testing. Allele origin: germline.
Comment: NM_000400.4(ERCC2):c.1774C>T (p.Arg592Cys) is a missense variant that results in the substitution of arginine with cysteine. The affected residue or protein region has prior evidence supporting clinical relevance. This variant is rare in population databases. Computational prediction algorithms are consistent with a deleterious effect. The currently available literature and clinical evidence are not sufficient to establish a definitive association between this variant and the reported condition. Therefore, this variant is classified as a variant of uncertain significance.

Women's Health and Genetics/Laboratory Corporation of America, LabCorp
Classification: Uncertain significance. Last evaluated: 2023-05-10. Review status: criteria provided, single submitter. Criteria: LabCorp Variant Classification Summary - May 2015. Collection method: clinical testing. Allele origin: germline.
Comment: Variant summary: ERCC2 c.1774C>T (p.Arg592Cys) results in a non-conservative amino acid change located in the ATP-dependent helicase, C-terminal domain (IPR006555) of the encoded protein sequence. Five of five in-silico tools predict a damaging effect of the variant on protein function. The variant allele was found at a frequency of 3.2e-05 in 251212 control chromosomes (gnomAD). The available data on variant occurrences in the general population are insufficient to allow any conclusion about variant significance. c.1774C>T has been reported in the literature as an uninformative genotype (i.e. zygosity not specified) in an individual with CNS medulloblastoma (Kim_2021), however to our knowledge it has not been reported in individuals affected with Xeroderma Pigmentosum. At least one publication reports experimental evidence evaluating an impact on protein function and found the variant exhibited reduced growth rates under DNA-damaging conditions in a yeast model system, however, this study does not allow convincing conclusions about the variant effect (Kim_2018). The following publications have been ascertained in the context of this evaluation (PMID: 34308104, 29522548). One clinical diagnostic laboratory has submitted a clinical-significance assessment for this variant to ClinVar after 2014 without evidence for independent evaluation and classified the variant as uncertain significance. Based on the evidence outlined above, the variant was classified as uncertain significance.

Illumina Laboratory Services, Illumina
Classification: Uncertain significance for Xeroderma pigmentosum, group D. Last evaluated: 2018-01-12. Review status: criteria provided, single submitter. Criteria: ICSL Variant Classification Criteria 13 December 2019. Collection method: clinical testing. Allele origin: germline.

Literature cited by the submitters: PubMed 34308104 (cited by Women's Health and Genetics/Laboratory Corporation of America, LabCorp); PubMed 29522548 (cited by Women's Health and Genetics/Laboratory Corporation of America, LabCorp).